The following is an entry in ClinVar:

ClinVar aggregate classification (germline): Uncertain significance (1 of 4 stars; one submission).

Submission:

GeneDx
Classification: Uncertain significance. Last evaluated: 2024-10-28. Review status: criteria provided, single submitter. Criteria: GeneDx Variant Classification Process June 2021. Collection method: clinical testing. Allele origin: germline. Affected: yes.
Comment: Not observed at significant frequency in large population cohorts (gnomAD); In silico analysis indicates that this missense variant does not alter protein structure/function; Has not been previously published as pathogenic or benign to our knowledge

NM_021964.3(ZNF148):c.1856A>G (p.Asn619Ser)

Genes: ZNF148 (zinc finger protein 148; minus strand), LOC126806798 (P300/CBP strongly-dependent group 1 enhancer GRCh37_chr3:124950809-124952008; plus strand). Cytogenetic location: 3q21.2.
Variant type: single nucleotide variant.
Coding change: c.1856A>G on transcript NM_021964.3 (MANE Select); coding-DNA position 1856, A replaced by G.
Protein change: p.Asn619Ser; replaces asparagine 619 with serine.
Molecular consequence: missense variant.
Genome position (GRCh38, 1-based): chr3:125,232,870, T>C on the plus strand (A>G on the coding strand, the complement: ZNF148 is on the minus strand). VCF-style: chr3-125232870-T-C. GRCh37 (hg19) VCF-style: chr3-124951714-T-C.
Other names: c.1856A>G, p.Asn619Ser (NM_001348424.1, NM_001348425.2, NM_001348426.2 and 7 more transcripts); c.1730A>G, p.Asn577Ser (NM_001348434.2); short protein forms N577S, N619S.
Identifiers: ClinVar variation 3893645 (VCV003893645.1).